The following is an entry in ClinVar:

NM_000384.3(APOB):c.1658C>A (p.Ser553Tyr)

Gene: APOB (apolipoprotein B; minus strand). Cytogenetic location: 2p24.1.
Variant type: single nucleotide variant.
Coding change: c.1658C>A on transcript NM_000384.3 (MANE Select); coding-DNA position 1658, C replaced by A.
Protein change: p.Ser553Tyr; replaces serine 553 with tyrosine.
Molecular consequence: missense variant.
Genome position (GRCh38, 1-based): chr2:21,028,498, G>T on the plus strand (C>A on the coding strand, the complement: APOB is on the minus strand). VCF-style: chr2-21028498-G-T. GRCh37 (hg19) VCF-style: chr2-21251370-G-T.
Other names: short protein forms S553Y.
Identifiers: ClinVar variation 4082873 (VCV004082873.1).

ClinVar aggregate classification (germline): Uncertain significance (1 of 4 stars; one submission).

Submission:

GeneDx
Classification: Uncertain significance. Last evaluated: 2025-03-07. Review status: criteria provided, single submitter. Criteria: GeneDx Variant Classification Process June 2021. Collection method: clinical testing. Allele origin: germline. Affected: yes.
Comment: Not observed at significant frequency in large population cohorts (gnomAD); In silico analysis supports that this missense variant has a deleterious effect on protein structure/function; Has not been previously published as pathogenic or benign to our knowledge